The following is an entry in ClinVar:

NM_001008537.3(NEXMIF):c.4258G>A (p.Glu1420Lys)

Gene: NEXMIF (neurite extension and migration factor; minus strand). Cytogenetic location: Xq13.3.
Variant type: single nucleotide variant.
Coding change: c.4258G>A on transcript NM_001008537.3 (MANE Select); coding-DNA position 4258, G replaced by A.
Protein change: p.Glu1420Lys; replaces glutamic acid 1420 with lysine.
Molecular consequence: missense variant.
Genome position (GRCh38, 1-based): chrX:74,740,299, C>T on the plus strand (G>A on the coding strand, the complement: NEXMIF is on the minus strand). VCF-style: chrX-74740299-C-T. GRCh37 (hg19) VCF-style: chrX-73960134-C-T.
Other names: c.4258G>A (NM_001008537.2); short protein forms E1420K.
Identifiers: ClinVar variation 1471394 (VCV001471394.9), dbSNP rs756589710, ClinGen allele CA10454856.

ClinVar aggregate classification (germline): Uncertain significance. Review status: criteria provided, multiple submitters, no conflicts (2 of 4 stars). 2 submissions from 2 submitters: Uncertain significance (2). Last evaluated 2024-03-09.

Allele frequency attached by ClinVar (database versions not stated): gnomAD exomes below 0.00001; ExAC 0.00001; gnomAD 0.00001; TOPMed 0.00002.
gnomAD v4.1: 8 of 1,209,248 alleles (0.00066%); highest among the groups gnomAD compares: African/African-American, 0.0018%; no homozygotes.

Submissions (2):

Labcorp Genetics (formerly Invitae), Labcorp
Classification: Uncertain significance. Last evaluated: 2024-03-09. Review status: criteria provided, single submitter. Criteria: Invitae Variant Classification Sherloc (09022015). Collection method: clinical testing. Allele origin: germline.
Comment: This sequence change replaces glutamic acid, which is acidic and polar, with lysine, which is basic and polar, at codon 1420 of the NEXMIF protein (p.Glu1420Lys). The frequency data for this variant in the population databases is considered unreliable, as metrics indicate poor data quality at this position in the gnomAD database. This variant has not been reported in the literature in individuals affected with NEXMIF-related conditions. ClinVar contains an entry for this variant (Variation ID: 1471394). An algorithm developed to predict the effect of missense changes on protein structure and function (PolyPhen-2) suggests that this variant is likely to be tolerated. In summary, the available evidence is currently insufficient to determine the role of this variant in disease. Therefore, it has been classified as a Variant of Uncertain Significance.

Ambry Genetics
Classification: Uncertain significance. Last evaluated: 2021-09-30. Review status: criteria provided, single submitter. Criteria: Ambry Variant Classification Scheme 2023. Collection method: clinical testing. Allele origin: germline.